The following is an entry in ClinVar:

NM_201384.3(PLEC):c.4624C>T (p.Arg1542Trp)

Gene: PLEC (plectin; minus strand). Cytogenetic location: 8q24.3.
Variant type: single nucleotide variant.
Coding change: c.4624C>T on transcript NM_201384.3 (MANE Select); coding-DNA position 4624, C replaced by T.
Protein change: p.Arg1542Trp; replaces arginine 1542 with tryptophan.
Molecular consequence: missense variant.
Genome position (GRCh38, 1-based): chr8:143,925,305, G>A on the plus strand (C>T on the coding strand, the complement: PLEC is on the minus strand). VCF-style: chr8-143925305-G-A. GRCh37 (hg19) VCF-style: chr8-144999473-G-A.
Other names: c.4705C>T, p.Arg1569Trp (NM_000445.5); c.4582C>T, p.Arg1528Trp (NM_201378.4); c.4558C>T, p.Arg1520Trp (NM_201379.3); c.5035C>T, p.Arg1679Trp (NM_201380.4); c.4528C>T, p.Arg1510Trp (NM_201381.3); c.4624C>T, p.Arg1542Trp (NM_201382.4); c.4636C>T, p.Arg1546Trp (NM_201383.3); short protein forms R1528W, R1510W, R1520W, R1546W, R1679W, R1542W, R1569W.
Identifiers: ClinVar variation 574667 (VCV000574667.8), dbSNP rs781964198, ClinGen allele CA4926602.

ClinVar aggregate classification (germline): Uncertain significance (1 of 4 stars; one submission).

Conditions:
Epidermolysis bullosa simplex 5C, with pyloric atresia (EBS5C). Also called: PLEC-Related Epidermolysis Bullosa with Pyloric Atresia; Epidermolysis bullosa simplex with pyloric atresia; PLEC1-Related Epidermolysis Bullosa with Pyloric Atresia. Identifiers: Orphanet 158684, MedGen C2677349, MONDO:0012807, OMIM 612138.
Epidermolysis bullosa simplex with nail dystrophy (EBS5D). Identifiers: MedGen C4225309, MONDO:0014661, OMIM 616487.
Epidermolysis bullosa simplex 5B, with muscular dystrophy (EBS5B). Also called: Epidermolysis bullosa simplex with muscular dystrophy; EPIDERMOLYSIS BULLOSA SIMPLEX AND LIMB-GIRDLE MUSCULAR DYSTROPHY. Identifiers: Orphanet 257, MedGen C2931072, MONDO:0009181, OMIM 226670.
Autosomal recessive limb-girdle muscular dystrophy type 2Q (LGMDR17). Also called: MUSCULAR DYSTROPHY, LIMB-GIRDLE, AUTOSOMAL RECESSIVE 17. Identifiers: Orphanet 254361, MedGen C3150989, MONDO:0013390, OMIM 613723.
Epidermolysis bullosa simplex, Ogna type (EBS5A). Also called: Pidermolysis bullosa simplex 5A, Ogna type; EPIDERMOLYSIS BULLOSA SIMPLEX 5A, OGNA TYPE. Identifiers: Orphanet 79401, MedGen C0432317, MONDO:0007555, OMIM 131950.

Allele frequency attached by ClinVar (database versions not stated): gnomAD exomes below 0.00001; gnomAD 0.00001; ExAC 0.00002.
gnomAD v4.1: 4 of 1,570,270 alleles (0.00025%); highest among the groups gnomAD compares: East Asian, 0.0023%; no homozygotes.

Submission:

Labcorp Genetics (formerly Invitae), Labcorp
Classification: Uncertain significance for Autosomal recessive limb-girdle muscular dystrophy type 2Q; Epidermolysis bullosa simplex, Ogna type; Epidermolysis bullosa simplex with nail dystrophy; Epidermolysis bullosa simplex 5C, with pyloric atresia; Epidermolysis bullosa simplex 5B, with muscular dystrophy. Last evaluated: 2019-05-09. Review status: criteria provided, single submitter. Criteria: Invitae Variant Classification Sherloc (09022015). Collection method: clinical testing. Allele origin: germline.
Comment: In summary, the available evidence is currently insufficient to determine the role of this variant in disease. Therefore, it has been classified as a Variant of Uncertain Significance. Algorithms developed to predict the effect of missense changes on protein structure and function do not agree on the potential impact of this missense change (SIFT: "Deleterious"; PolyPhen-2: "Possibly Damaging"; Align-GVGD: "Class C25"). This variant has not been reported in the literature in individuals with PLEC-related disease. This variant is present in population databases (rs781964198, ExAC 0.03%). This sequence change replaces arginine with tryptophan at codon 1569 of the PLEC protein (p.Arg1569Trp). The arginine residue is moderately conserved and there is a moderate physicochemical difference between arginine and tryptophan.